The following is an entry in ClinVar:

NM_000326.5(RLBP1):c.363G>A (p.Arg121=)

Gene: RLBP1 (retinaldehyde binding protein 1; minus strand). Cytogenetic location: 15q26.1.
Variant type: single nucleotide variant.
Coding change: c.363G>A on transcript NM_000326.5 (MANE Select); coding-DNA position 363, G replaced by A.
Protein change: p.Arg121=; no amino-acid change (arginine 121 retained).
Molecular consequence: synonymous variant.
Genome position (GRCh38, 1-based): chr15:89,215,222, C>T on the plus strand (G>A on the coding strand, the complement: RLBP1 is on the minus strand). VCF-style: chr15-89215222-C-T. GRCh37 (hg19) VCF-style: chr15-89758453-C-T.
Identifiers: ClinVar variation 715784 (VCV000715784.11), dbSNP rs763353589, ClinGen allele CA7722299.
Genomic context (GRCh38, chr15:89,215,222, plus strand): 5'-TTCAATGGTGCAGCGGACAGCCTCTGGGGACAGGCTGTCAAAGAGCTCAGGGTACTGCAG[C>T]CGGAAATTCACATAGCCTGGAGGAAGGAGAGCAGAGGAACCCCCTCAGGGAGCCATCCCA-3'
Protein context (NP_000317.1, residues 111-131): YELLRGYVNF[Arg121=]LQYPELFDSL

ClinVar aggregate classification (germline): Benign/Likely benign. Review status: criteria provided, multiple submitters, no conflicts (2 of 4 stars). 3 submissions from 3 submitters: Benign (1); Likely benign (2). Last evaluated 2026-01-28.

Conditions:
RLBP1-related disorder. Also called: RLBP1-related disorders; RLBP1-related condition. Identifiers: MedGen CN239413.

Allele frequency attached by ClinVar (database versions not stated): gnomAD 0.00006; TOPMed 0.00017; gnomAD exomes 0.00019 and 0.00039; ExAC 0.00041.
gnomAD v4.1: 124 of 1,614,024 alleles (0.0077%); highest among the groups gnomAD compares: Admixed American, 0.2%; 1 homozygote.

Submissions (3):

Labcorp Genetics (formerly Invitae), Labcorp
Classification: Benign. Last evaluated: 2026-01-28. Review status: criteria provided, single submitter. Criteria: Invitae Variant Classification Sherloc (09022015). Collection method: clinical testing. Allele origin: germline.

PreventionGenetics, part of Exact Sciences
Classification: Likely benign for RLBP1-related condition. Last evaluated: 2025-04-18. Review status: criteria provided, single submitter. Criteria: ACMG Guidelines, 2015. Collection method: clinical testing. Allele origin: germline.
Comment: This variant is classified as likely benign based on ACMG/AMP sequence variant interpretation guidelines (Richards et al. 2015 PMID: 25741868, with internal and published modifications).

Blueprint Genetics
Classification: Likely benign. Last evaluated: 2022-11-23. Review status: criteria provided, single submitter. Criteria: ACMG Guidelines, 2015. Collection method: clinical testing. Allele origin: germline.